The following is an entry in ClinVar:

NM_001256627.2(BRSK2):c.2022A>C (p.Lys674Asn)

Gene: BRSK2 (BR serine/threonine kinase 2; plus strand). Cytogenetic location: 11p15.5.
Variant type: single nucleotide variant.
Coding change: c.2022A>C on transcript NM_001256627.2 (MANE Select); coding-DNA position 2022, A replaced by C.
Protein change: p.Lys674Asn; replaces lysine 674 with asparagine.
Molecular consequence: missense variant. On other transcripts: intron variant (4).
Genome position (GRCh38, 1-based): chr11:1,460,534, A>C. VCF-style: chr11-1460534-A-C. GRCh37 (hg19) VCF-style: chr11-1481764-A-C.
Other names: c.*10-436A>C (NM_001256629.2, NM_001282218.2); c.1988-436A>C (NM_003957.4); c.2126-14A>C (NM_001256630.1); short protein forms K674N.
Identifiers: ClinVar variation 2443574 (VCV002443574.1), dbSNP rs2539850761, ClinGen allele CA379081947.

ClinVar aggregate classification (germline): Uncertain significance (1 of 4 stars; one submission).

Submission:

GeneDx
Classification: Uncertain significance. Last evaluated: 2023-03-06. Review status: criteria provided, single submitter. Criteria: GeneDx Variant Classification Process June 2021. Collection method: clinical testing. Allele origin: germline. Affected: yes.
Comment: Not observed at significant frequency in large population cohorts (gnomAD); In silico analysis supports that this missense variant does not alter protein structure/function; Has not been previously published as pathogenic or benign to our knowledge; This variant is associated with the following publications: (PMID: 27535533)